The following is an entry in ClinVar:

ClinVar aggregate classification (germline): Uncertain significance (1 of 4 stars; one submission).

Conditions:
Hyperphosphatasia with impaired intellectual development syndrome 2. Also called: Hyperphosphatasia with intellectual disability syndrome 2; GLYCOSYLPHOSPHATIDYLINOSITOL BIOSYNTHESIS DEFECT 6. Identifiers: Orphanet 247262, MedGen C3553637, MONDO:0013882, OMIM 614749.

Allele frequency attached by ClinVar (database versions not stated): TOPMed 0.00001; gnomAD exomes 0.00001; gnomAD 0.00001; ExAC 0.00002.

Submission:

Labcorp Genetics (formerly Invitae), Labcorp
Classification: Uncertain significance for Hyperphosphatasia with impaired intellectual development syndrome 2. Last evaluated: 2020-10-15. Review status: criteria provided, single submitter. Criteria: Invitae Variant Classification Sherloc (09022015). Collection method: clinical testing. Allele origin: germline.
Comment: In summary, the available evidence is currently insufficient to determine the role of this variant in disease. Therefore, it has been classified as a Variant of Uncertain Significance. Algorithms developed to predict the effect of missense changes on protein structure and function (SIFT, PolyPhen-2, Align-GVGD) all suggest that this variant is likely to be tolerated, but these predictions have not been confirmed by published functional studies and their clinical significance is uncertain. This variant has not been reported in the literature in individuals with PIGO-related conditions. This variant is present in population databases (rs759688557, ExAC 0.02%). This sequence change replaces histidine with tyrosine at codon 649 of the PIGO protein (p.His649Tyr). The histidine residue is weakly conserved and there is a moderate physicochemical difference between histidine and tyrosine.

NM_032634.4(PIGO):c.1945C>T (p.His649Tyr)

Gene: PIGO (phosphatidylinositol glycan anchor biosynthesis class O; minus strand). Cytogenetic location: 9p13.3.
Variant type: single nucleotide variant.
Coding change: c.1945C>T on transcript NM_032634.4 (MANE Select); coding-DNA position 1945, C replaced by T.
Protein change: p.His649Tyr; replaces histidine 649 with tyrosine.
Molecular consequence: missense variant. On other transcripts: intron variant (2).
Genome position (GRCh38, 1-based): chr9:35,091,942, G>A on the plus strand (C>T on the coding strand, the complement: PIGO is on the minus strand). VCF-style: chr9-35091942-G-A. GRCh37 (hg19) VCF-style: chr9-35091939-G-A.
Other names: c.1344+601C>T (NM_152850.4, NM_001201484.2); short protein forms H649Y.
Identifiers: ClinVar variation 1063167 (VCV001063167.7), dbSNP rs759688557, ClinGen allele CA5040537.